The following is an entry in ClinVar:

NM_016169.4(SUFU):c.244G>A (p.Ala82Thr)

Gene: SUFU (SUFU negative regulator of hedgehog signaling; plus strand). Cytogenetic location: 10q24.32.
Variant type: single nucleotide variant.
Coding change: c.244G>A on transcript NM_016169.4 (MANE Select); coding-DNA position 244, G replaced by A.
Protein change: p.Ala82Thr; replaces alanine 82 with threonine.
Molecular consequence: missense variant.
Genome position (GRCh38, 1-based): chr10:102,509,230, G>A. VCF-style: chr10-102509230-G-A. GRCh37 (hg19) VCF-style: chr10-104268987-G-A.
Other names: c.244G>A, p.Ala82Thr (NM_001178133.2); short protein forms A82T.
Identifiers: ClinVar variation 5030415 (VCV005030415.1).

ClinVar aggregate classification (germline): Uncertain significance (1 of 4 stars; one submission).

Conditions:
Hereditary cancer-predisposing syndrome. Also called: Neoplastic Syndromes, Hereditary; Tumor predisposition; Hereditary neoplastic syndrome; Hereditary Cancer Syndrome. Identifiers: Orphanet 140162, MedGen C0027672, MeSH D009386, MONDO:0015356.

Submission:

Ambry Genetics
Classification: Uncertain significance for Hereditary cancer-predisposing syndrome. Last evaluated: 2026-07-07. Review status: criteria provided, single submitter. Criteria: Ambry Variant Classification Scheme 2023. Collection method: clinical testing. Allele origin: germline.
Comment: The p.A82T variant (also known as c.244G>A), located in coding exon 2 of the SUFU gene, results from a G to A substitution at nucleotide position 244. The alanine at codon 82 is replaced by threonine, an amino acid with similar properties. This amino acid position is conserved. In addition, this alteration is predicted to be tolerated by in silico analysis. Based on the available evidence, the clinical significance of this variant remains unclear.